The following is an entry in ClinVar:

NM_004415.4(DSP):c.1205A>G (p.Lys402Arg)

Gene: DSP (desmoplakin; plus strand). Cytogenetic location: 6p24.3.
Variant type: single nucleotide variant.
Coding change: c.1205A>G on transcript NM_004415.4 (MANE Select); coding-DNA position 1205, A replaced by G.
Protein change: p.Lys402Arg; replaces lysine 402 with arginine.
Molecular consequence: missense variant.
Genome position (GRCh38, 1-based): chr6:7,567,845, A>G. VCF-style: chr6-7567845-A-G. GRCh37 (hg19) VCF-style: chr6-7568078-A-G.
Other names: c.1205A>G, p.Lys402Arg (NM_001008844.3, NM_001319034.2, NM_001406591.1); short protein forms K402R.
Identifiers: ClinVar variation 4757476 (VCV004757476.1).
Genomic context (GRCh38, chr6:7,567,845, plus strand): 5'-TTGAAGAGGCGCAGTCTACTGAAGCATACCTGAAGGGGCTCCAGGACTCCATCAGGAAGA[A>G]GTACCCCTGCGACAAGAACATGCCCCTGCAGCACCTGCTGGAACAGATCAAGGAGCTGGA-3'
Protein context (NP_004406.2, residues 392-412): LKGLQDSIRK[Lys402Arg]YPCDKNMPLQ

ClinVar aggregate classification (germline): Uncertain significance (1 of 4 stars; one submission).

Conditions:
Cardiomyopathy (CMYO). Also called: Cardiomyopathies. Identifiers: Orphanet 167848, MedGen C0878544, MONDO:0004994, HP:0001638. Inheritance: Various modes of inheritance.

Submission:

Color Diagnostics, LLC DBA Color Health
Classification: Uncertain significance for Cardiomyopathy. Last evaluated: 2025-06-30. Review status: criteria provided, single submitter. Criteria: ACMG Guidelines, 2015. Collection method: clinical testing. Allele origin: germline.
Comment: This missense variant replaces lysine with arginine at codon 402 of the DSP protein. Computational prediction is inconclusive regarding the impact of this variant on protein structure and function. To our knowledge, functional studies have not been reported for this variant. This variant has not been reported in individuals affected with DSP-related disorders in the literature. This variant has not been identified in the general population by the Genome Aggregation Database (gnomAD). The available evidence is insufficient to determine the role of this variant in disease conclusively. Therefore, this variant is classified as a Variant of Uncertain Significance.